The following is an entry in ClinVar:

ClinVar aggregate classification (germline): Uncertain significance (1 of 4 stars; one submission).

Allele frequency attached by ClinVar (database versions not stated): ExAC 0.00001; gnomAD 0.00001; gnomAD exomes 0.00001; TOPMed 0.00001.
gnomAD v4.1: 10 of 1,610,010 alleles (0.00062%); highest among the groups gnomAD compares: Non-Finnish European, 0.00076%; no homozygotes.

Submission:

CeGaT Center for Human Genetics Tuebingen
Classification: Uncertain significance. Last evaluated: 2023-07-01. Review status: criteria provided, single submitter. Criteria: CeGaT Center For Human Genetics Tuebingen Variant Classification Criteria Version 2. Collection method: clinical testing. Allele origin: germline. Affected: yes. Observed: 1 variant allele.
Comment: CEP112: PM2, BP4

NM_001199165.4(CEP112):c.1451A>G (p.Tyr484Cys)

Gene: CEP112 (centrosomal protein 112; minus strand). Cytogenetic location: 17q24.1.
Variant type: single nucleotide variant.
Coding change: c.1451A>G on transcript NM_001199165.4 (MANE Select); coding-DNA position 1451, A replaced by G.
Protein change: p.Tyr484Cys; replaces tyrosine 484 with cysteine.
Molecular consequence: missense variant.
Genome position (GRCh38, 1-based): chr17:66,029,175, T>C on the plus strand (A>G on the coding strand, the complement: CEP112 is on the minus strand). VCF-style: chr17-66029175-T-C. GRCh37 (hg19) VCF-style: chr17-64025293-T-C.
Other names: c.1325A>G, p.Tyr442Cys (NM_001302891.3, NM_001353128.2); c.1451A>G, p.Tyr484Cys (NM_001353127.2); c.1454A>G, p.Tyr485Cys (NM_001353129.2); short protein forms Y442C, Y484C, Y485C.
Identifiers: ClinVar variation 2648110 (VCV002648110.24), dbSNP rs778020781, ClinGen allele CA8719699.